The following is an entry in ClinVar:

ClinVar aggregate classification (germline): Uncertain significance (1 of 4 stars; one submission).

Conditions:
Hereditary cancer-predisposing syndrome. Also called: Tumor predisposition; Hereditary neoplastic syndrome; Neoplastic Syndromes, Hereditary; Hereditary Cancer Syndrome. Identifiers: Orphanet 140162, MedGen C0027672, MeSH D009386, MONDO:0015356.

Submission:

Ambry Genetics
Classification: Uncertain significance for Hereditary cancer-predisposing syndrome. Last evaluated: 2025-08-12. Review status: criteria provided, single submitter. Criteria: Ambry Variant Classification Scheme 2023. Collection method: clinical testing. Allele origin: germline.
Comment: The p.A439G variant (also known as c.1316C>G), located in coding exon 9 of the CDH1 gene, results from a C to G substitution at nucleotide position 1316. The alanine at codon 439 is replaced by glycine, an amino acid with similar properties. This amino acid position is not well conserved in available vertebrate species. In addition, this alteration is predicted to be tolerated by in silico analysis. Based on the available evidence, the clinical significance of this variant remains unclear.

NM_004360.5(CDH1):c.1316C>G (p.Ala439Gly)

Gene: CDH1 (cadherin 1; plus strand). Cytogenetic location: 16q22.1.
Variant type: single nucleotide variant.
Coding change: c.1316C>G on transcript NM_004360.5 (MANE Select); coding-DNA position 1316, C replaced by G.
Protein change: p.Ala439Gly; replaces alanine 439 with glycine.
Molecular consequence: missense variant. On other transcripts: 5 prime UTR variant (2), intron variant (1).
Genome position (GRCh38, 1-based): chr16:68,813,491, C>G. VCF-style: chr16-68813491-C-G. GRCh37 (hg19) VCF-style: chr16-68847394-C-G.
Other names: c.-300C>G (NM_001317185.2); c.-504C>G (NM_001317186.2); c.1137+1228C>G (NM_001317184.2); short protein forms A439G.
Identifiers: ClinVar variation 818888 (VCV000818888.5), dbSNP rs1597896180, ClinGen allele CA396461941.